The following is an entry in ClinVar:

NM_000393.5(COL5A2):c.3334C>T (p.Pro1112Ser)

Gene: COL5A2 (collagen type V alpha 2 chain; minus strand). Cytogenetic location: 2q32.2.
Variant type: single nucleotide variant.
Coding change: c.3334C>T on transcript NM_000393.5 (MANE Select); coding-DNA position 3334, C replaced by T.
Protein change: p.Pro1112Ser; replaces proline 1112 with serine.
Molecular consequence: missense variant.
Genome position (GRCh38, 1-based): chr2:189,045,208, G>A on the plus strand (C>T on the coding strand, the complement: COL5A2 is on the minus strand). VCF-style: chr2-189045208-G-A. GRCh37 (hg19) VCF-style: chr2-189909934-G-A.
Other names: c.3334C>T (NM_000393.3); short protein forms P1112S.
Identifiers: ClinVar variation 2716503 (VCV002716503.4), dbSNP rs553087567, ClinGen allele CA62589352.
Genomic context (GRCh38, chr2:189,045,208, plus strand): 5'-ATTTTTTAAAAAACAAAAAAAGAGAACTTACAGGTAATCCACGTTTCCCAGCTCGACCAG[G>A]TGGTCCTATAGGACCCCGAGAACCCTAAAAGAAATTTACAACAAAAAAAATTGGCATGTA-3'
Protein context (NP_000384.2, residues 1102-1122): DPGSRGPIGP[Pro1112Ser]GRAGKRGLPG

ClinVar aggregate classification (germline): Uncertain significance. Review status: criteria provided, multiple submitters, no conflicts (2 of 4 stars). 2 submissions from 2 submitters: Uncertain significance (2). Last evaluated 2023-12-31.

Conditions:
Ehlers-Danlos syndrome, classic type, 1 (EDSCL1). Also called: EHLERS-DANLOS SYNDROME, GRAVIS TYPE; EHLERS-DANLOS SYNDROME, SEVERE CLASSIC TYPE; Ehlers-Danlos syndrome, type 1; Ehlers-Danlos Syndrome, Classic Type, COL5A1-Related; EDS I. Identifiers: MedGen C0268335, MONDO:0019567, OMIM 130000.

Allele frequency attached by ClinVar (database versions not stated): TOPMed 0.00001.
gnomAD v4.1: 7 of 1,607,492 alleles (0.00044%); highest among the groups gnomAD compares: Non-Finnish European, 0.00059%; no homozygotes.

Submissions (2):

Labcorp Genetics (formerly Invitae), Labcorp
Classification: Uncertain significance for Ehlers-Danlos syndrome, classic type, 1. Last evaluated: 2023-12-31. Review status: criteria provided, single submitter. Criteria: Invitae Variant Classification Sherloc (09022015). Collection method: clinical testing. Allele origin: germline.
Comment: This sequence change replaces proline, which is neutral and non-polar, with serine, which is neutral and polar, at codon 1112 of the COL5A2 protein (p.Pro1112Ser). This variant is not present in population databases (gnomAD no frequency). This variant has not been reported in the literature in individuals affected with COL5A2-related conditions. Advanced modeling of protein sequence and biophysical properties (such as structural, functional, and spatial information, amino acid conservation, physicochemical variation, residue mobility, and thermodynamic stability) performed at Invitae indicates that this missense variant is not expected to disrupt COL5A2 protein function with a negative predictive value of 80%. In summary, the available evidence is currently insufficient to determine the role of this variant in disease. Therefore, it has been classified as a Variant of Uncertain Significance.

GeneDx
Classification: Uncertain significance. Last evaluated: 2023-07-28. Review status: criteria provided, single submitter. Criteria: GeneDx Variant Classification Process June 2021. Collection method: clinical testing. Allele origin: germline. Affected: yes.
Comment: Has not been previously published as pathogenic or benign to our knowledge; Not observed at significant frequency in large population cohorts (gnomAD); In silico analysis supports that this missense variant does not alter protein structure/function